The following is an entry in ClinVar:

NM_000214.3(JAG1):c.868G>A (p.Gly290Ser)

Gene: JAG1 (jagged canonical Notch ligand 1; minus strand). Cytogenetic location: 20p12.2.
Variant type: single nucleotide variant.
Coding change: c.868G>A on transcript NM_000214.3 (MANE Select); coding-DNA position 868, G replaced by A.
Protein change: p.Gly290Ser; replaces glycine 290 with serine.
Molecular consequence: missense variant.
Genome position (GRCh38, 1-based): chr20:10,652,486, C>T on the plus strand (G>A on the coding strand, the complement: JAG1 is on the minus strand). VCF-style: chr20-10652486-C-T. GRCh37 (hg19) VCF-style: chr20-10633134-C-T.
Other names: short protein forms G290S.
Identifiers: ClinVar variation 967915 (VCV000967915.8), dbSNP rs1412480153, ClinGen allele CA408239231.

ClinVar aggregate classification (germline): Uncertain significance. Review status: criteria provided, multiple submitters, no conflicts (2 of 4 stars). 3 submissions from 3 submitters: Uncertain significance (3). Last evaluated 2024-05-02.

Conditions:
Alagille syndrome due to a JAG1 point mutation. Also called: Alagille Syndrome 1; HEPATIC DUCTULAR HYPOPLASIA, SYNDROMATIC; JAG1-Related Alagille Syndrome. Identifiers: Orphanet 261619, Orphanet 52, MedGen C1956125, MONDO:0016862, OMIM 118450.
Tetralogy of Fallot (TOF). Identifiers: Orphanet 3303, MedGen C0039685, MONDO:0008542, OMIM 187500, HP:0001636.
Deafness, congenital heart defects, and posterior embryotoxon (DCHE). Identifiers: MedGen C1866053, MONDO:0060713, OMIM 617992.
Charcot-Marie-Tooth disease, axonal, Type 2HH. Also called: CHARCOT-MARIE-TOOTH NEUROPATHY, TYPE 2HH. Identifiers: MedGen C5562003, MONDO:0030458, OMIM 619574.

Allele frequency attached by ClinVar (database versions not stated): gnomAD exomes below 0.00001 and 0.00001; gnomAD 0.00001 and 0.00002; TOPMed 0.00006.
gnomAD v4.1: 12 of 1,614,006 alleles (0.00074%); highest among the groups gnomAD compares: Admixed American, 0.005%; no homozygotes.

Submissions (3):

Fulgent Genetics
Classification: Uncertain significance for Alagille syndrome due to a JAG1 point mutation; Tetralogy of Fallot; Deafness, congenital heart defects, and posterior embryotoxon; Charcot-Marie-Tooth disease, axonal, Type 2HH. Last evaluated: 2024-05-02. Review status: criteria provided, single submitter. Criteria: ACMG Guidelines, 2015. Collection method: clinical testing. Allele origin: germline.

Labcorp Genetics (formerly Invitae), Labcorp
Classification: Uncertain significance for Alagille syndrome due to a JAG1 point mutation. Last evaluated: 2024-01-18. Review status: criteria provided, single submitter. Criteria: Invitae Variant Classification Sherloc (09022015). Collection method: clinical testing. Allele origin: germline.
Comment: This sequence change replaces glycine, which is neutral and non-polar, with serine, which is neutral and polar, at codon 290 of the JAG1 protein (p.Gly290Ser). This variant is present in population databases (no rsID available, gnomAD 0.0009%). This variant has not been reported in the literature in individuals affected with JAG1-related conditions. ClinVar contains an entry for this variant (Variation ID: 967915). Advanced modeling of protein sequence and biophysical properties (such as structural, functional, and spatial information, amino acid conservation, physicochemical variation, residue mobility, and thermodynamic stability) performed at Invitae indicates that this missense variant is expected to disrupt JAG1 protein function with a positive predictive value of 80%. In summary, the available evidence is currently insufficient to determine the role of this variant in disease. Therefore, it has been classified as a Variant of Uncertain Significance.

AiLife Diagnostics
Classification: Uncertain significance. Last evaluated: 2021-12-28. Review status: criteria provided, single submitter. Criteria: ACMG Guidelines, 2015. Collection method: clinical testing. Allele origin: germline. Affected: yes. Observed: 2 variant alleles.